The following is an entry in ClinVar:

ClinVar aggregate classification (germline): Pathogenic (1 of 4 stars; one submission).

Submission:

Labcorp Genetics (formerly Invitae), Labcorp
Classification: Pathogenic. Last evaluated: 2022-03-16. Review status: criteria provided, single submitter. Criteria: Invitae Variant Classification Sherloc (09022015). Collection method: clinical testing. Allele origin: germline.
Comment: For these reasons, this variant has been classified as Pathogenic. This variant has not been reported in the literature in individuals affected with FAM161A-related conditions. This variant is not present in population databases (gnomAD no frequency). This sequence change creates a premature translational stop signal (p.Arg614Leufs*18) in the FAM161A gene. It is expected to result in an absent or disrupted protein product. Loss-of-function variants in FAM161A are known to be pathogenic (PMID: 20705278, 20705279, 24651477).

Literature cited by the submitters: PubMed 20705278; PubMed 20705279; PubMed 24651477.

NM_001201543.2(FAM161A):c.1839_1842del (p.Arg614fs)

Gene: FAM161A (FAM161 centrosomal protein A; minus strand). Cytogenetic location: 2p15.
Variant type: Deletion.
Coding change: c.1839_1842del on transcript NM_001201543.2 (MANE Select); coding-DNA positions 1839 to 1842, 4 bases deleted (AAGA; older notation c.1839_1842delAAGA).
Protein change: p.Arg614fs; shifts the reading frame from arginine 614.
Molecular consequence: frameshift variant. On other transcripts: non-coding transcript variant (1).
Genome position (GRCh38, 1-based): chr2:61,836,019-61,836,022, TCTT deleted on the plus strand (AAGA on the coding strand, the reverse complement: FAM161A is on the minus strand); deleting any 4 consecutive bases within chr2:61,836,019-61,836,024 gives the same sequence; the c. name uses the placement nearest the transcript's 3' end. VCF-style (leftmost placement, unchanged base first): chr2-61836018-CTCTT-C. GRCh37 (hg19) VCF-style: chr2-62063153-CTCTT-C.
Other names: c.1671_1674del, p.Arg558fs (NM_032180.3); short protein forms R558fs, R614fs.
Identifiers: ClinVar variation 1452178 (VCV001452178.6), dbSNP rs2105073705, ClinGen allele CA2573135070.
Genomic context (GRCh38, chr2:61,836,018, plus strand): 5'-TAAAAAAAAAAAAAAAAACTGACGATAGCTCTTAAATTCCAATAAACACAACCTGAGCAA[CTCTT>C]TCAAATAGCAGTGGCCTCTTTTTTAATTTTTCTTCTCTTTCTTCTAGTTCTCGTTGGTAT-3'